The following is an entry in ClinVar:

NM_001232.4(CASQ2):c.776A>G (p.Glu259Gly)

Gene: CASQ2 (calsequestrin 2; minus strand). Cytogenetic location: 1p13.1.
Variant type: single nucleotide variant.
Coding change: c.776A>G on transcript NM_001232.4 (MANE Select); coding-DNA position 776, A replaced by G.
Protein change: p.Glu259Gly; replaces glutamic acid 259 with glycine.
Molecular consequence: missense variant.
Genome position (GRCh38, 1-based): chr1:115,725,515, T>C on the plus strand (A>G on the coding strand, the complement: CASQ2 is on the minus strand). VCF-style: chr1-115725515-T-C. GRCh37 (hg19) VCF-style: chr1-116268136-T-C.
Other names: short protein forms E259G.
Identifiers: ClinVar variation 2585692 (VCV002585692.3), dbSNP rs1325421230, ClinGen allele CA341768524.

ClinVar aggregate classification (germline): Uncertain significance. Review status: criteria provided, multiple submitters, no conflicts (2 of 4 stars). 2 submissions from 2 submitters: Uncertain significance (2). Last evaluated 2025-02-13.

Conditions:
Cardiovascular phenotype. Identifiers: MedGen CN230736.
Catecholaminergic polymorphic ventricular tachycardia 1. Also called: VENTRICULAR TACHYCARDIA, STRESS-INDUCED POLYMORPHIC 1; RYR2-Related Catecholaminergic Polymorphic Ventricular Tachycardia; VENTRICULAR TACHYCARDIA, CATECHOLAMINERGIC POLYMORPHIC, 1, WITH OR WITHOUT ATRIAL DYSFUNCTION AND/OR DILATED CARDIOMYOPATHY. Identifiers: Orphanet 3286, MedGen C1631597, MONDO:0011484, OMIM 604772.

Allele frequency attached by ClinVar (database versions not stated): TOPMed below 0.00001; gnomAD 0.00001.
gnomAD v4.1: 1 of 1,605,712 alleles (0.000062%); highest among the groups gnomAD compares: African/African-American, 0.0014%; no homozygotes.

Submissions (2):

Labcorp Genetics (formerly Invitae), Labcorp
Classification: Uncertain significance for Catecholaminergic polymorphic ventricular tachycardia 1. Last evaluated: 2025-02-13. Review status: criteria provided, single submitter. Criteria: Invitae Variant Classification Sherloc (09022015). Collection method: clinical testing. Allele origin: germline.
Comment: This sequence change replaces glutamic acid, which is acidic and polar, with glycine, which is neutral and non-polar, at codon 259 of the CASQ2 protein (p.Glu259Gly). The frequency data for this variant in the population databases is considered unreliable, as metrics indicate poor data quality at this position in the gnomAD database. This variant has not been reported in the literature in individuals affected with CASQ2-related conditions. ClinVar contains an entry for this variant (Variation ID: 2585692). Invitae Evidence Modeling of protein sequence and biophysical properties (such as structural, functional, and spatial information, amino acid conservation, physicochemical variation, residue mobility, and thermodynamic stability) indicates that this missense variant is not expected to disrupt CASQ2 protein function with a negative predictive value of 80%. In summary, the available evidence is currently insufficient to determine the role of this variant in disease. Therefore, it has been classified as a Variant of Uncertain Significance.

Ambry Genetics
Classification: Uncertain significance for Cardiovascular phenotype. Last evaluated: 2023-08-29. Review status: criteria provided, single submitter. Criteria: Ambry Variant Classification Scheme 2023. Collection method: clinical testing. Allele origin: germline.
Comment: The p.E259G variant (also known as c.776A>G), located in coding exon 7 of the CASQ2 gene, results from an A to G substitution at nucleotide position 776. The glutamic acid at codon 259 is replaced by glycine, an amino acid with similar properties. This amino acid position is highly conserved in available vertebrate species. In addition, this alteration is predicted to be deleterious by in silico analysis. Since supporting evidence is limited at this time, the clinical significance of this alteration remains unclear.